The following is an entry in ClinVar:

NM_012123.4(MTO1):c.1619G>T (p.Ser540Ile)

Gene: MTO1 (mitochondrial tRNA translation optimization 1; plus strand). Cytogenetic location: 6q13.
Variant type: single nucleotide variant.
Coding change: c.1619G>T on transcript NM_012123.4 (MANE Select); coding-DNA position 1619, G replaced by T.
Protein change: p.Ser540Ile; replaces serine 540 with isoleucine.
Molecular consequence: missense variant.
Genome position (GRCh38, 1-based): chr6:73,482,602, G>T. VCF-style: chr6-73482602-G-T. GRCh37 (hg19) VCF-style: chr6-74192325-G-T.
Other names: c.1739G>T, p.Ser580Ile (NM_001123226.2); c.1694G>T, p.Ser565Ile (NM_133645.3); short protein forms S540I, S565I, S580I.
Identifiers: ClinVar variation 1331332 (VCV001331332.7), dbSNP rs773811434, ClinGen allele CA3889691.
Genomic context (GRCh38, chr6:73,482,602, plus strand): 5'-CTATTGAGTTTTTGAGCTCTAAATGGAAAAAATTAATCCCAGAGGCTTCTATAAGTACTA[G>T]TAGAAGTCTGCCTGTCAGGTATGCATTTTTAATATAGACCTTTCTCACTTTTTATAGAAA-3'
Protein context (NP_036255.2, residues 530-550): KLIPEASIST[Ser540Ile]RSLPVRALDV

ClinVar aggregate classification (germline): Uncertain significance. Review status: criteria provided, multiple submitters, no conflicts (2 of 4 stars). 2 submissions from 2 submitters: Uncertain significance (2). Last evaluated 2021-06-29.

Conditions:
Mitochondrial hypertrophic cardiomyopathy with lactic acidosis due to MTO1 deficiency. Also called: Combined oxidative phosphorylation deficiency 10; CARDIOMYOPATHY, INFANTILE HYPERTROPHIC MITOCHONDRIAL, AND LACTIC ACIDOSIS. Identifiers: Orphanet 314637, MedGen C4749921, MONDO:0013865, OMIM 614702.

gnomAD v4.1: 15 of 1,601,716 alleles (0.00094%); highest among the groups gnomAD compares: Non-Finnish European, 0.0013%; no homozygotes.

Submissions (2):

GeneDx
Classification: Uncertain significance. Last evaluated: 2021-06-29. Review status: criteria provided, single submitter. Criteria: GeneDx Variant Classification Process June 2021. Collection method: clinical testing. Allele origin: germline. Affected: yes.

Labcorp Genetics (formerly Invitae), Labcorp
Classification: Uncertain significance for Mitochondrial hypertrophic cardiomyopathy with lactic acidosis due to MTO1 deficiency. Last evaluated: 2021-05-19. Review status: criteria provided, single submitter. Criteria: Invitae Variant Classification Sherloc (09022015). Collection method: clinical testing. Allele origin: germline.
Comment: In summary, the available evidence is currently insufficient to determine the role of this variant in disease. Therefore, it has been classified as a Variant of Uncertain Significance. Algorithms developed to predict the effect of missense changes on protein structure and function (SIFT, PolyPhen-2, Align-GVGD) all suggest that this variant is likely to be tolerated, but these predictions have not been confirmed by published functional studies and their clinical significance is uncertain. This variant has not been reported in the literature in individuals with MTO1-related conditions. This variant is present in population databases (rs773811434, ExAC 0.003%). This sequence change replaces serine with isoleucine at codon 540 of the MTO1 protein (p.Ser540Ile). The serine residue is weakly conserved and there is a large physicochemical difference between serine and isoleucine.